The following is an entry in ClinVar:

ClinVar aggregate classification (germline): Uncertain significance (1 of 4 stars; one submission).

Conditions:
Hereditary cancer-predisposing syndrome. Also called: Hereditary Cancer Syndrome; Neoplastic Syndromes, Hereditary; Tumor predisposition; Hereditary neoplastic syndrome. Identifiers: Orphanet 140162, MedGen C0027672, MeSH D009386, MONDO:0015356.

Submission:

Ambry Genetics
Classification: Uncertain significance for Hereditary cancer-predisposing syndrome. Last evaluated: 2022-03-05. Review status: criteria provided, single submitter. Criteria: Ambry Variant Classification Scheme 2023. Collection method: clinical testing. Allele origin: germline.
Comment: The p.S171I variant (also known as c.512G>T), located in coding exon 1 of the ALK gene, results from a G to T substitution at nucleotide position 512. The serine at codon 171 is replaced by isoleucine, an amino acid with dissimilar properties. This amino acid position is conserved. In addition, the in silico prediction for this alteration is inconclusive. Since supporting evidence is limited at this time, the clinical significance of this alteration remains unclear.

NM_004304.5(ALK):c.512G>T (p.Ser171Ile)

Gene: ALK (ALK receptor tyrosine kinase; minus strand). Cytogenetic location: 2p23.1.
Variant type: single nucleotide variant.
Coding change: c.512G>T on transcript NM_004304.5 (MANE Select); coding-DNA position 512, G replaced by T.
Protein change: p.Ser171Ile; replaces serine 171 with isoleucine.
Molecular consequence: missense variant.
Genome position (GRCh38, 1-based): chr2:29,920,148, C>A on the plus strand (G>T on the coding strand, the complement: ALK is on the minus strand). VCF-style: chr2-29920148-C-A. GRCh37 (hg19) VCF-style: chr2-30143014-C-A.
Other names: short protein forms S171I.
Identifiers: ClinVar variation 1745540 (VCV001745540.2), dbSNP rs753403262, ClinGen allele CA346589903.